The following is an entry in ClinVar:

NM_001005242.3(PKP2):c.1379-2073_1379-2033del

Gene: PKP2 (plakophilin 2; minus strand). Cytogenetic location: 12p11.21.
Variant type: Deletion.
Coding change: c.1379-2073_1379-2033del on transcript NM_001005242.3 (MANE Select); 2073 bases into the intron before coding-DNA position 1379 through 2033 bases into the intron before coding-DNA position 1379, 41 bases deleted.
Molecular consequence: intron variant. On other transcripts: frameshift variant (2).
Genome position (GRCh38, 1-based): chr12:32,843,238-32,843,278, 41 bases deleted; deleting any 41 consecutive bases within chr12:32,843,238-32,843,280 gives the same sequence; the c. name uses the placement nearest the transcript's 3' end. GRCh37 (hg19): chr12:32,996,174-32,996,214.
Other names: c.1414_1454del, p.Pro472fs (NM_001407157.1, NM_004572.4); c.1379-2073_1379-2033del (NM_001407156.1, NM_001407155.1, NM_001407161.1); c.1052-2073_1052-2033del (NM_001407160.1, NM_001407159.1, NM_001407158.1 and 1 more transcripts); short protein forms P472fs.
Identifiers: ClinVar variation 4726343 (VCV004726343.1).

ClinVar aggregate classification (germline): Pathogenic (1 of 4 stars; one submission).

Conditions:
Arrhythmogenic right ventricular dysplasia 9 (ARVD9). Also called: Arrhythmogenic Right Ventricular Dysplasia/Cardiomyopathy 9; ARRHYTHMOGENIC RIGHT VENTRICULAR DYSPLASIA, FAMILIAL, 9. Identifiers: MedGen C1836906, MONDO:0012180, OMIM 609040.

Submission:

Labcorp Genetics (formerly Invitae), Labcorp
Classification: Pathogenic for Arrhythmogenic right ventricular dysplasia 9. Last evaluated: 2025-08-30. Review status: criteria provided, single submitter. Criteria: Invitae Variant Classification Sherloc (09022015). Collection method: clinical testing. Allele origin: germline.
Comment: This sequence change creates a premature translational stop signal (p.Pro472Argfs*16) in the PKP2 gene. It is expected to result in an absent or disrupted protein product. Loss-of-function variants in PKP2 are known to be pathogenic (PMID: 15489853, 17041889, 23911551). This variant is not present in population databases (gnomAD no frequency). This variant has not been reported in the literature in individuals affected with PKP2-related conditions. For these reasons, this variant has been classified as Pathogenic.

Literature cited by the submitters: PubMed 15489853; PubMed 17041889; PubMed 23911551.